The following is an entry in ClinVar:

ClinVar aggregate classification (germline): Likely pathogenic (1 of 4 stars; one submission).

Conditions:
Intellectual developmental disorder, X-linked, syndromic, Billuart type. Also called: X-linked intellectual disability-cerebellar hypoplasia syndrome; MENTAL RETARDATION, X-LINKED 60. Identifiers: Orphanet 137831, MedGen C1845366, MONDO:0010337, OMIM 300486.

Submission:

Kids Neuroscience Centre, Sydney Children's Hospitals Network
Classification: Likely pathogenic for Intellectual developmental disorder, X-linked, syndromic, Billuart type. Review status: criteria provided, single submitter. Criteria: Bournazos AM et al. (Genet Med 2021). Collection method: clinical testing. Allele origin: maternal, unknown. Inheritance: X-linked inheritance. Affected: yes and no. Observed: 1 heterozygote, 1 hemizygote.
Comment: mRNA studies confirm the hemizygous OPHN1 c.702+4A>G variant induces abnormal splicing of OPHN1 transcripts in blood mRNA. OPHN1 exon-8 is a canonical exon included in all predominant OPHN1 isoforms expressed in brain. The absence of this variant from gnomAD is consistent with a rare X-linked recessive disorder. Exon 8 skipping induced by the OPHN1 c.702+4A>G variant abnormally removes 35 amino acids from the encoded Oligophrenin-1 protein. Hemizygous variants in OPHN1 are consistent with X-linked recessive mental retardation.

NM_002547.3(OPHN1):c.702+4A>G

Gene: OPHN1 (oligophrenin 1; minus strand). Cytogenetic location: Xq12.
Variant type: single nucleotide variant.
Coding change: c.702+4A>G on transcript NM_002547.3 (MANE Select); 4 bases into the intron after coding-DNA position 702, A replaced by G.
Molecular consequence: intron variant.
Genome position (GRCh38, 1-based): chrX:68,212,104, T>C on the plus strand (A>G on the coding strand, the complement: OPHN1 is on the minus strand). VCF-style: chrX-68212104-T-C. GRCh37 (hg19) VCF-style: chrX-67431946-T-C.
Identifiers: ClinVar variation 1064589 (VCV001064589.3), dbSNP rs2147481894, ClinGen allele CA2499226806.
Genomic context (GRCh38, chrX:68,212,104, plus strand): 5'-TCGCTAGGGCTGAAATTCAATCGGAATGGAAAGACCGGTGAGAAAAATCCACATGCAAAC[T>C]CACATTCTGTAAACTGAGTTGGAGCTGTTGTTTGTATGGGAGGAAATCCTGTGTGAGCTC-3'